The following is an entry in ClinVar:

NM_004612.4(TGFBR1):c.1280C>G (p.Pro427Arg)

Gene: TGFBR1 (transforming growth factor beta receptor 1; plus strand). Cytogenetic location: 9q22.33.
Variant type: single nucleotide variant.
Coding change: c.1280C>G on transcript NM_004612.4 (MANE Select); coding-DNA position 1280, C replaced by G.
Protein change: p.Pro427Arg; replaces proline 427 with arginine.
Molecular consequence: missense variant. On other transcripts: non-coding transcript variant (4).
Genome position (GRCh38, 1-based): chr9:99,147,678, C>G. VCF-style: chr9-99147678-C-G. GRCh37 (hg19) VCF-style: chr9-101909960-C-G.
Other names: c.1049C>G, p.Pro350Arg (NM_001130916.3, NM_001407435.1); c.1292C>G, p.Pro431Arg (NM_001306210.2); c.1124C>G, p.Pro375Arg (NM_001407416.1); c.1112C>G, p.Pro371Arg (NM_001407417.1); c.1085C>G, p.Pro362Arg (NM_001407418.1, NM_001407419.1, NM_001407420.1 and 1 more transcripts); c.1073C>G, p.Pro358Arg (NM_001407423.1, NM_001407424.1, NM_001407425.1 and 8 more transcripts); c.1034C>G, p.Pro345Arg (NM_001407436.1); c.572C>G, p.Pro191Arg (NM_001407437.1); and 1 more; short protein forms P268R, P350R, P358R, P362R, P431R, P191R, P345R, P371R.
Identifiers: ClinVar variation 2693498 (VCV002693498.3), dbSNP rs2490259062, ClinGen allele CA374233286.

ClinVar aggregate classification (germline): Uncertain significance (1 of 4 stars; one submission).

Conditions:
Familial thoracic aortic aneurysm and aortic dissection (TAAD). Also called: Thoracic aortic aneurysms and dissections. Identifiers: Orphanet 91387, MedGen C4707243, MONDO:0019625.

Submission:

Labcorp Genetics (formerly Invitae), Labcorp
Classification: Uncertain significance for Familial thoracic aortic aneurysm and aortic dissection. Last evaluated: 2023-11-05. Review status: criteria provided, single submitter. Criteria: Invitae Variant Classification Sherloc (09022015). Collection method: clinical testing. Allele origin: germline.
Comment: This sequence change replaces proline, which is neutral and non-polar, with arginine, which is basic and polar, at codon 427 of the TGFBR1 protein (p.Pro427Arg). This variant is not present in population databases (gnomAD no frequency). This missense change has been observed in individual(s) with thoracic aortic aneurysms and aortic dissections (Invitae). Advanced modeling of protein sequence and biophysical properties (such as structural, functional, and spatial information, amino acid conservation, physicochemical variation, residue mobility, and thermodynamic stability) performed at Invitae indicates that this missense variant is expected to disrupt TGFBR1 protein function with a positive predictive value of 80%. In summary, the available evidence is currently insufficient to determine the role of this variant in disease. Therefore, it has been classified as a Variant of Uncertain Significance.